The following is an entry in ClinVar:

ClinVar aggregate classification (germline): Uncertain significance. Review status: criteria provided, multiple submitters, no conflicts (2 of 4 stars). 3 submissions from 3 submitters: Uncertain significance (3). Last evaluated 2024-10-03.

Allele frequency attached by ClinVar (database versions not stated): gnomAD 0.00001; TOPMed 0.00002; gnomAD exomes 0.00006.

Submissions (3):

Blueprint Genetics
Classification: Uncertain significance. Last evaluated: 2024-10-03. Review status: criteria provided, single submitter. Criteria: ACMG Guidelines, 2015. Collection method: clinical testing. Allele origin: germline.

Labcorp Genetics (formerly Invitae), Labcorp
Classification: Uncertain significance. Last evaluated: 2024-08-30. Review status: criteria provided, single submitter. Criteria: Invitae Variant Classification Sherloc (09022015). Collection method: clinical testing. Allele origin: germline.
Comment: This sequence change replaces leucine, which is neutral and non-polar, with valine, which is neutral and non-polar, at codon 370 of the WNT1 protein (p.Leu370Val). This variant is present in population databases (no rsID available, gnomAD 0.004%). This missense change has been observed in individual(s) with osteoporosis (PMID: 36004351). ClinVar contains an entry for this variant (Variation ID: 2573543). An algorithm developed to predict the effect of missense changes on protein structure and function (PolyPhen-2) suggests that this variant is likely to be tolerated. In summary, the available evidence is currently insufficient to determine the role of this variant in disease. Therefore, it has been classified as a Variant of Uncertain Significance.

Women's Health and Genetics/Laboratory Corporation of America, LabCorp
Classification: Uncertain significance. Last evaluated: 2023-06-29. Review status: criteria provided, single submitter. Criteria: LabCorp Variant Classification Summary - May 2015. Collection method: clinical testing. Allele origin: germline.
Comment: Variant summary: WNT1 c.1108C>G (p.Leu370Val) results in a conservative amino acid change in the encoded protein sequence. Three of five in-silico tools predict a benign effect of the variant on protein function. The variant allele was found at a frequency of 3.1e-05 in 64214 control chromosomes (gnomAD). The available data on variant occurrences in the general population are insufficient to allow any conclusion about variant significance. c.1108C>G has been reported in the literature in individuals affected with early onset osteoporosis without strong evidence for causality (Campopiano_2022). This report does not provide unequivocal conclusions about association of the variant with Osteogenesis Imperfecta. To our knowledge, no experimental evidence demonstrating an impact on protein function has been reported. The following publication have been ascertained in the context of this evaluation (PMID: 36004351). No submitters have cited clinical-significance assessments for this variant to ClinVar after 2014. Based on the evidence outlined above, the variant was classified as uncertain significance.

Literature cited by the submitters: PubMed 36004351 (cited by Labcorp Genetics (formerly Invitae), Labcorp and Women's Health and Genetics/Laboratory Corporation of America, LabCorp).

NM_005430.4(WNT1):c.1108C>G (p.Leu370Val)

Gene: WNT1 (Wnt family member 1; plus strand). Cytogenetic location: 12q13.12.
Variant type: single nucleotide variant.
Coding change: c.1108C>G on transcript NM_005430.4 (MANE Select); coding-DNA position 1108, C replaced by G.
Protein change: p.Leu370Val; replaces leucine 370 with valine.
Molecular consequence: missense variant.
Genome position (GRCh38, 1-based): chr12:48,981,635, C>G. VCF-style: chr12-48981635-C-G. GRCh37 (hg19) VCF-style: chr12-49375418-C-G.
Other names: short protein forms L370V.
Identifiers: ClinVar variation 2573543 (VCV002573543.5), dbSNP rs897040674, ClinGen allele CA236608835.